The following is an entry in ClinVar:

ClinVar aggregate classification (germline): Uncertain significance. Review status: criteria provided, multiple submitters, no conflicts (2 of 4 stars). 2 submissions from 2 submitters: Uncertain significance (2). Last evaluated 2025-02-27.

Conditions:
Renal coloboma syndrome (PAPRS). Also called: COLOBOMA OF OPTIC NERVE WITH RENAL DISEASE; PAPILLORENAL SYNDROME; PAPILLORENAL SYNDROME WITH MILD OCULAR ABNORMALITIES; OPTIC COLOBOMA, VESICOURETERAL REFLUX, AND RENAL ANOMALIES; OPTIC NERVE COLOBOMA WITH RENAL DISEASE; RENAL-COLOBOMA SYNDROME WITH MACULAR ABNORMALITIES. Identifiers: Orphanet 1475, MedGen C1852759, MONDO:0007352, OMIM 120330.
Focal segmental glomerulosclerosis 7 (FSGS7). Identifiers: Orphanet 656, MedGen C4014925, MONDO:0014451, OMIM 616002.

Submissions (2):

Labcorp Genetics (formerly Invitae), Labcorp
Classification: Uncertain significance for Renal coloboma syndrome; Focal segmental glomerulosclerosis 7. Last evaluated: 2025-02-27. Review status: criteria provided, single submitter. Criteria: Invitae Variant Classification Sherloc (09022015). Collection method: clinical testing. Allele origin: germline.
Comment: This sequence change replaces glycine, which is neutral and non-polar, with valine, which is neutral and non-polar, at codon 81 of the PAX2 protein (p.Gly81Val). This variant is not present in population databases (gnomAD no frequency). This variant has not been reported in the literature in individuals affected with PAX2-related conditions. ClinVar contains an entry for this variant (Variation ID: 3589968). Experimental studies and prediction algorithms are not available or were not evaluated, and the functional significance of this variant is currently unknown. In summary, the available evidence is currently insufficient to determine the role of this variant in disease. Therefore, it has been classified as a Variant of Uncertain Significance.

Fulgent Genetics
Classification: Uncertain significance for Renal coloboma syndrome; Focal segmental glomerulosclerosis 7. Last evaluated: 2024-02-24. Review status: criteria provided, single submitter. Criteria: ACMG Guidelines, 2015. Collection method: clinical testing. Allele origin: germline.

NM_000278.5(PAX2):c.242G>T (p.Gly81Val)

Gene: PAX2 (paired box 2; plus strand). Cytogenetic location: 10q24.31.
Variant type: single nucleotide variant.
Coding change: c.242G>T on transcript NM_000278.5 (MANE Select); coding-DNA position 242, G replaced by T.
Protein change: p.Gly81Val; replaces glycine 81 with valine.
Molecular consequence: missense variant.
Genome position (GRCh38, 1-based): chr10:100,750,723, G>T. VCF-style: chr10-100750723-G-T. GRCh37 (hg19) VCF-style: chr10-102510480-G-T.
Other names: c.335G>T, p.Gly112Val (NM_001304569.2); c.242G>T, p.Gly81Val (NM_003987.5, NM_003988.5, NM_003989.5 and 1 more transcripts); short protein forms G112V, G81V.
Identifiers: ClinVar variation 3589968 (VCV003589968.2).